The following is an entry in ClinVar:

NM_001035.3(RYR2):c.3839C>G (p.Ser1280Cys)

Genes: RYR2 (ryanodine receptor 2; plus strand), LOC126806067 (BRD4-independent group 4 enhancer GRCh37_chr1:237753258-237754457; plus strand). Cytogenetic location: 1q43.
Variant type: single nucleotide variant.
Coding change: c.3839C>G on transcript NM_001035.3 (MANE Select); coding-DNA position 3839, C replaced by G.
Protein change: p.Ser1280Cys; replaces serine 1280 with cysteine.
Molecular consequence: missense variant.
Genome position (GRCh38, 1-based): chr1:237,590,671, C>G. VCF-style: chr1-237590671-C-G. GRCh37 (hg19) VCF-style: chr1-237753971-C-G.
Other names: c.3839C>G, p.Ser1280Cys (LRG_402t1); short protein forms S1280C.
Identifiers: ClinVar variation 222786 (VCV000222786.16), dbSNP rs759424061, ClinGen allele CA086470.

ClinVar aggregate classification (germline): Uncertain significance. Review status: criteria provided, multiple submitters, no conflicts (2 of 4 stars). 5 submissions from 5 submitters: Uncertain significance (5). Last evaluated 2024-03-06.

Conditions:
Catecholaminergic polymorphic ventricular tachycardia (CVPT). Also called: Catecholamine-induced polymorphic ventricular tachycardia. Identifiers: Orphanet 3286, MedGen C5574922, MONDO:0017990.
Cardiovascular phenotype. Identifiers: MedGen CN230736.
Cardiomyopathy (CMYO). Also called: Cardiomyopathies. Identifiers: Orphanet 167848, MedGen C0878544, MONDO:0004994, HP:0001638. Inheritance: Various modes of inheritance.
Catecholaminergic polymorphic ventricular tachycardia 1. Also called: RYR2-Related Catecholaminergic Polymorphic Ventricular Tachycardia; VENTRICULAR TACHYCARDIA, STRESS-INDUCED POLYMORPHIC 1; VENTRICULAR TACHYCARDIA, CATECHOLAMINERGIC POLYMORPHIC, 1, WITH OR WITHOUT ATRIAL DYSFUNCTION AND/OR DILATED CARDIOMYOPATHY. Identifiers: Orphanet 3286, MedGen C1631597, MONDO:0011484, OMIM 604772.

gnomAD v4.1: 6 of 1,563,524 alleles (0.00038%); highest among the groups gnomAD compares: Non-Finnish European, 0.00052%; no homozygotes.

Submissions (5):

Color Diagnostics, LLC DBA Color Health
Classification: Uncertain significance for Cardiomyopathy. Last evaluated: 2024-03-06. Review status: criteria provided, single submitter. Criteria: ACMG Guidelines, 2015. Collection method: clinical testing. Allele origin: germline.
Comment: This missense variant replaces serine with cysteine at codon 1280 of the RYR2 protein. Computational prediction suggests that this variant may not impact protein structure and function (internally defined REVEL score threshold <= 0.5, PMID: 27666373). To our knowledge, functional studies have not been reported for this variant. This variant has not been reported in individuals affected with RYR2-related disorders in the literature. This variant has been identified in 2/212786 chromosomes in the general population by the Genome Aggregation Database (gnomAD). The available evidence is insufficient to determine the role of this variant in disease conclusively. Therefore, this variant is classified as a Variant of Uncertain Significance.

All of Us Research Program, National Institutes of Health
Classification: Uncertain significance for Catecholaminergic polymorphic ventricular tachycardia. Last evaluated: 2023-12-18. Review status: criteria provided, single submitter. Criteria: ACMG Guidelines, 2015. Collection method: clinical testing. Allele origin: germline. Inheritance: Autosomal dominant inheritance. Observed: 2 variant alleles, 2 heterozygotes.
Comment: This missense variant replaces serine with cysteine at codon 1280 of the RYR2 protein. Computational prediction suggests that this variant may not impact protein structure and function (internally defined REVEL score threshold <= 0.5, PMID: 27666373). To our knowledge, functional studies have not been reported for this variant. This variant has not been reported in individuals affected with RYR2-related disorders in the literature. This variant has been identified in 2/212786 chromosomes in the general population by the Genome Aggregation Database (gnomAD). The available evidence is insufficient to determine the role of this variant in disease conclusively. Therefore, this variant is classified as a Variant of Uncertain Significance.

This study involves interpretation of variants in research participants for the purpose of population health screening. Participant phenotype was not available at the time of variant classification. Additional details can be found in publication PMID: 35346344, PMCID: PMC8962531

Ambry Genetics
Classification: Uncertain significance for Cardiovascular phenotype. Last evaluated: 2022-11-03. Review status: criteria provided, single submitter. Criteria: Ambry Variant Classification Scheme 2023. Collection method: clinical testing. Allele origin: germline.
Comment: The p.S1280C variant (also known as c.3839C>G), located in coding exon 31 of the RYR2 gene, results from a C to G substitution at nucleotide position 3839. The serine at codon 1280 is replaced by cysteine, an amino acid with dissimilar properties. This amino acid position is not well conserved in available vertebrate species. In addition, this alteration is predicted to be tolerated by in silico analysis. Since supporting evidence is limited at this time, the clinical significance of this alteration remains unclear.

Labcorp Genetics (formerly Invitae), Labcorp
Classification: Uncertain significance for Catecholaminergic polymorphic ventricular tachycardia 1. Last evaluated: 2021-08-26. Review status: criteria provided, single submitter. Criteria: Invitae Variant Classification Sherloc (09022015). Collection method: clinical testing. Allele origin: germline.
Comment: This sequence change replaces serine with cysteine at codon 1280 of the RYR2 protein (p.Ser1280Cys). The serine residue is highly conserved and there is a moderate physicochemical difference between serine and cysteine. This variant is present in population databases (rs759424061, ExAC 0.002%). This variant has not been reported in the literature in individuals affected with RYR2-related conditions. ClinVar contains an entry for this variant (Variation ID: 222786). Advanced modeling of protein sequence and biophysical properties (such as structural, functional, and spatial information, amino acid conservation, physicochemical variation, residue mobility, and thermodynamic stability) performed at Invitae indicates that this missense variant is not expected to disrupt RYR2 protein function. In summary, the available evidence is currently insufficient to determine the role of this variant in disease. Therefore, it has been classified as a Variant of Uncertain Significance.

Blueprint Genetics
Classification: Uncertain significance. Last evaluated: 2020-04-10. Review status: criteria provided, single submitter. Criteria: ACMG Guidelines, 2015. Collection method: clinical testing. Allele origin: germline.